The following is an entry in ClinVar:

ClinVar aggregate classification (germline): Uncertain significance (1 of 4 stars; one submission).

Conditions:
Hypoplastic left heart syndrome. Also called: Hypoplastic left heart; Hypoplastic left ventricle. Identifiers: Orphanet 2248, MedGen C0152101, MONDO:0004933, HP:0004383.

Allele frequency attached by ClinVar (database versions not stated): gnomAD exomes below 0.00001 and 0.00001; ExAC 0.00001.
gnomAD v4.1: 2 of 1,593,310 alleles (0.00013%); highest among the groups gnomAD compares: South Asian, 0.0022%; no homozygotes.

Submission:

Labcorp Genetics (formerly Invitae), Labcorp
Classification: Uncertain significance for Hypoplastic left heart syndrome. Last evaluated: 2018-11-15. Review status: criteria provided, single submitter. Criteria: Invitae Variant Classification Sherloc (09022015). Collection method: clinical testing. Allele origin: germline.
Comment: This sequence change replaces proline with serine at codon 63 of the HAND1 protein (p.Pro63Ser). The proline residue is highly conserved and there is a moderate physicochemical difference between proline and serine. This variant is present in population databases (rs772843786, ExAC 0.007%). This variant has not been reported in the literature in individuals with HAND1-related disease. Algorithms developed to predict the effect of missense changes on protein structure and function (SIFT, PolyPhen-2, Align-GVGD) all suggest that this variant is likely to be tolerated, but these predictions have not been confirmed by published functional studies and their clinical significance is uncertain. In summary, the available evidence is currently insufficient to determine the role of this variant in disease. Therefore, it has been classified as a Variant of Uncertain Significance.

NM_004821.3(HAND1):c.187C>T (p.Pro63Ser)

Gene: HAND1 (heart and neural crest derivatives expressed 1; minus strand). Cytogenetic location: 5q33.2.
Variant type: single nucleotide variant.
Coding change: c.187C>T on transcript NM_004821.3 (MANE Select); coding-DNA position 187, C replaced by T.
Protein change: p.Pro63Ser; replaces proline 63 with serine.
Molecular consequence: missense variant.
Genome position (GRCh38, 1-based): chr5:154,477,822, G>A on the plus strand (C>T on the coding strand, the complement: HAND1 is on the minus strand). VCF-style: chr5-154477822-G-A. GRCh37 (hg19) VCF-style: chr5-153857382-G-A.
Other names: short protein forms P63S.
Identifiers: ClinVar variation 656575 (VCV000656575.9), dbSNP rs772843786, ClinGen allele CA3526611.
Genomic context (GRCh38, chr5:154,477,822, plus strand): 5'-CGGGGCTCTGCCCAGGCCTGGCGTCAGGACCATAGGCGGTGGCGGCTGCAGCGGCCGCGG[G>A]CGGCGGCCCGCCCGCAGGGAAGTCCGGGGCAGCGTCAGCCGGGCTCAGCAGCCAGCTCTG-3'
Protein context (NP_004812.1, residues 53-73): APDFPAGGPP[Pro63Ser]AAAAAATAYG